The following is an entry in ClinVar:

NM_000169.3(GLA):c.68C>G (p.Ser23Cys)

Genes: GLA (galactosidase alpha; minus strand), RPL36A-HNRNPH2 (RPL36A-HNRNPH2 readthrough; plus strand). Cytogenetic location: Xq22.1.
Variant type: single nucleotide variant.
Coding change: c.68C>G on transcript NM_000169.3 (MANE Select); coding-DNA position 68, C replaced by G.
Protein change: p.Ser23Cys; replaces serine 23 with cysteine.
Molecular consequence: missense variant. On other transcripts: non-coding transcript variant (3), intron variant (2).
Genome position (GRCh38, 1-based): chrX:101,407,836, G>C on the plus strand (C>G on the coding strand, the complement: GLA is on the minus strand). VCF-style: chrX-101407836-G-C. GRCh37 (hg19) VCF-style: chrX-100662824-G-C.
Other names: c.68C>G, p.Ser23Cys (NM_001406747.1, NM_001406748.1, NM_001406749.1); c.301-4100G>C (NM_001199973.2); c.178-4100G>C (NM_001199974.2); short protein forms S23C.
Identifiers: ClinVar variation 4802176 (VCV004802176.1).

ClinVar aggregate classification (germline): Uncertain significance (1 of 4 stars; one submission).

Conditions:
Fabry disease. Also called: Fabry's disease; ALPHA-GALACTOSIDASE A DEFICIENCY; ANDERSON-FABRY DISEASE; CERAMIDE TRIHEXOSIDASE DEFICIENCY; GLA DEFICIENCY; HEREDITARY DYSTOPIC LIPIDOSIS. Identifiers: Orphanet 324, MedGen C0002986, MONDO:0010526, OMIM 301500, HP:0001071. Disease mechanism: Fabry disease is due to inactivating mutations in the X-linked GLA gene resulting in deficiency of the enzyme Alpha Galactosidase-A., loss of function.

gnomAD v4.1: 1 of 1,211,563 alleles (0.000083%); highest among the groups gnomAD compares: Non-Finnish European, 0.00011%; no homozygotes.

Submission:

Labcorp Genetics (formerly Invitae), Labcorp
Classification: Uncertain significance for Fabry disease. Last evaluated: 2025-10-29. Review status: criteria provided, single submitter. Criteria: Invitae Variant Classification Sherloc (09022015). Collection method: clinical testing. Allele origin: germline.
Comment: This sequence change replaces serine, which is neutral and polar, with cysteine, which is neutral and slightly polar, at codon 23 of the GLA protein (p.Ser23Cys). This variant is not present in population databases (gnomAD no frequency). This variant has not been reported in the literature in individuals affected with GLA-related conditions. Invitae Evidence Modeling of protein sequence and biophysical properties (such as structural, functional, and spatial information, amino acid conservation, physicochemical variation, residue mobility, and thermodynamic stability) has been performed for this missense variant. However, the output from this modeling did not meet the statistical confidence thresholds required to predict the impact of this variant on GLA protein function. In summary, the available evidence is currently insufficient to determine the role of this variant in disease. Therefore, it has been classified as a Variant of Uncertain Significance.